The following is an entry in ClinVar:

ClinVar aggregate classification (germline): Uncertain significance (1 of 4 stars; one submission).

Conditions:
Emery-Dreifuss muscular dystrophy 5, autosomal dominant (EDMD5). Also called: EMERY-DREIFUSS MUSCULAR DYSTROPHY 5. Identifiers: Orphanet 261, MedGen C2751805, MONDO:0013072, OMIM 612999.

Allele frequency attached by ClinVar (database versions not stated): gnomAD exomes below 0.00001.
gnomAD v4.1: 1 of 1,614,098 alleles (0.000062%); highest among the groups gnomAD compares: Non-Finnish European, 0.000085%; no homozygotes.

Submission:

Labcorp Genetics (formerly Invitae), Labcorp
Classification: Uncertain significance for Emery-Dreifuss muscular dystrophy 5, autosomal dominant. Last evaluated: 2022-11-08. Review status: criteria provided, single submitter. Criteria: Invitae Variant Classification Sherloc (09022015). Collection method: clinical testing. Allele origin: germline.
Comment: In summary, the available evidence is currently insufficient to determine the role of this variant in disease. Therefore, it has been classified as a Variant of Uncertain Significance. Algorithms developed to predict the effect of missense changes on protein structure and function are either unavailable or do not agree on the potential impact of this missense change (SIFT: "Deleterious"; PolyPhen-2: "Possibly Damaging"; Align-GVGD: "Class C0"). ClinVar contains an entry for this variant (Variation ID: 661914). This variant has not been reported in the literature in individuals affected with SYNE2-related conditions. This variant is present in population databases (no rsID available, gnomAD 0.0009%). This sequence change replaces glutamic acid, which is acidic and polar, with glycine, which is neutral and non-polar, at codon 6221 of the SYNE2 protein (p.Glu6221Gly).

NM_182914.3(SYNE2):c.18662A>G (p.Glu6221Gly)

Gene: SYNE2 (spectrin repeat containing nuclear envelope protein 2; plus strand). Cytogenetic location: 14q23.2.
Variant type: single nucleotide variant.
Coding change: c.18662A>G on transcript NM_182914.3 (MANE Select); coding-DNA position 18662, A replaced by G.
Protein change: p.Glu6221Gly; replaces glutamic acid 6221 with glycine.
Molecular consequence: missense variant.
Genome position (GRCh38, 1-based): chr14:64,210,063, A>G. VCF-style: chr14-64210063-A-G. GRCh37 (hg19) VCF-style: chr14-64676781-A-G.
Other names: c.18662A>G, p.Glu6221Gly (NM_015180.6); short protein forms E6221G.
Identifiers: ClinVar variation 661914 (VCV000661914.8), dbSNP rs1410409309, ClinGen allele CA389951511.